The following is an entry in ClinVar:

ClinVar aggregate classification (germline): Conflicting classifications of pathogenicity. Review status: criteria provided, conflicting classifications (1 of 4 stars). 2 submissions from 2 submitters: Uncertain significance (1); Benign (1). Last evaluated 2024-05-10.

Conditions:
Ehlers-Danlos syndrome, classic type, 1 (EDSCL1). Also called: Ehlers-Danlos Syndrome, Classic Type, COL5A1-Related; EHLERS-DANLOS SYNDROME, GRAVIS TYPE; EHLERS-DANLOS SYNDROME, SEVERE CLASSIC TYPE; Ehlers-Danlos syndrome, type 1; EDS I. Identifiers: MedGen C0268335, MONDO:0019567, OMIM 130000.

Allele frequency attached by ClinVar (database versions not stated): gnomAD exomes 0.00001 and below 0.00001; gnomAD 0.00001; TOPMed 0.00002.
gnomAD v4.1: 8 of 1,614,064 alleles (0.0005%); highest among the groups gnomAD compares: Middle Eastern, 0.016%; no homozygotes.

Submissions (2):

Labcorp Genetics (formerly Invitae), Labcorp
Classification: Benign for Ehlers-Danlos syndrome, classic type, 1. Last evaluated: 2024-05-10. Review status: criteria provided, single submitter. Criteria: Invitae Variant Classification Sherloc (09022015). Collection method: clinical testing. Allele origin: germline.

GeneDx
Classification: Uncertain significance. Last evaluated: 2015-01-22. Review status: criteria provided, single submitter. Criteria: GeneDx Variant Classification (06012015). Collection method: clinical testing. Allele origin: germline. Affected: yes.
Comment: p.Asn1818Ser (AAT>AGT): c.5453 A>G in exon 66 of the COL5A1 gene (NM_000093.3) A variant of unknown significance has been identified in the COL5A1 gene. The N1818S variant has not been published as a mutation, nor has it been reported as a benign polymorphism to our knowledge. The N1818S variant was not observed in approximately 6,500 individuals of European and African American ancestry in the NHLBI Exome Sequencing Project, indicating it is not a common benign variant in these populations. However, the N1818S variant is a conservative amino acid substitution, which is not likely to impact secondary protein structure as these residues share similar properties. This substitution occurs at a position that is mostly conserved across species; however, S1818 is present as the wild-type in Megabat as well as additional, more distant, species. In silico analysis is inconsistent in its predictions as to whether or not the variant is damaging to the protein structure/function. Therefore, based on the currently available information, it is unclear whether this variant is a pathogenic mutation or a rare benign variantThis variant was found in TAADV2-1

NM_000093.5(COL5A1):c.5453A>G (p.Asn1818Ser)

Genes: COL5A1 (collagen type V alpha 1 chain; plus strand), LOC101448202 (uncharacterized LOC101448202; minus strand). Cytogenetic location: 9q34.3.
Variant type: single nucleotide variant.
Coding change: c.5453A>G on transcript NM_000093.5 (MANE Select); coding-DNA position 5453, A replaced by G.
Protein change: p.Asn1818Ser; replaces asparagine 1818 with serine.
Molecular consequence: missense variant.
Genome position (GRCh38, 1-based): chr9:134,842,239, A>G. VCF-style: chr9-134842239-A-G. GRCh37 (hg19) VCF-style: chr9-137734085-A-G.
Other names: p.N1818S:AAT>AGT; c.5453A>G, p.Asn1818Ser (NM_001278074.1); short protein forms N1818S.
Identifiers: ClinVar variation 213066 (VCV000213066.7), dbSNP rs863223482, ClinGen allele CA323728.
Genomic context (GRCh38, chr9:134,842,239, plus strand): 5'-CGGTTCTGGAGATCGACACCCCCAAAGTGGAGCAGGTGCCCATCGTGGACATCATGTTCA[A>G]TGACTTCGGTGAAGCGTCACAGAAATTTGGATTTGAAGTGGGGCCGGCTTGCTTCATGGG-3'
Protein context (NP_000084.3, residues 1808-1828): EQVPIVDIMF[Asn1818Ser]DFGEASQKFG